The following is an entry in ClinVar:

NM_000784.4(CYP27A1):c.181C>A (p.Pro61Thr)

Gene: CYP27A1 (cytochrome P450 family 27 subfamily A member 1; plus strand). Cytogenetic location: 2q35.
Variant type: single nucleotide variant.
Coding change: c.181C>A on transcript NM_000784.4 (MANE Select); coding-DNA position 181, C replaced by A.
Protein change: p.Pro61Thr; replaces proline 61 with threonine.
Molecular consequence: missense variant.
Genome position (GRCh38, 1-based): chr2:218,782,363, C>A. VCF-style: chr2-218782363-C-A. GRCh37 (hg19) VCF-style: chr2-219647086-C-A.
Other names: short protein forms P61T.
Identifiers: ClinVar variation 1994237 (VCV001994237.2), dbSNP rs2470201956, ClinGen allele CA350576459.

ClinVar aggregate classification (germline): Uncertain significance (1 of 4 stars; one submission).

Conditions:
Cholestanol storage disease (CTX). Also called: CEREBRAL CHOLESTERINOSIS; CTX: Cerebrotendinous xanthomatosis; Cerebrotendinous Xanthomatosis. Identifiers: Orphanet 909, MedGen C0238052, MONDO:0008948, OMIM 213700.

Allele frequency attached by ClinVar (database versions not stated): gnomAD exomes below 0.00001.

Submission:

Labcorp Genetics (formerly Invitae), Labcorp
Classification: Uncertain significance for Cholestanol storage disease. Last evaluated: 2022-07-14. Review status: criteria provided, single submitter. Criteria: Invitae Variant Classification Sherloc (09022015). Collection method: clinical testing. Allele origin: germline.
Comment: In summary, the available evidence is currently insufficient to determine the role of this variant in disease. Therefore, it has been classified as a Variant of Uncertain Significance. Algorithms developed to predict the effect of missense changes on protein structure and function are either unavailable or do not agree on the potential impact of this missense change (SIFT: "Deleterious"; PolyPhen-2: "Probably Damaging"; Align-GVGD: "Class C0"). This variant has not been reported in the literature in individuals affected with CYP27A1-related conditions. This variant is not present in population databases (gnomAD no frequency). This sequence change replaces proline, which is neutral and non-polar, with threonine, which is neutral and polar, at codon 61 of the CYP27A1 protein (p.Pro61Thr).